The following is an entry in ClinVar:

NM_012073.5(CCT5):c.382A>G (p.Ile128Val)

Gene: CCT5 (chaperonin containing TCP1 subunit 5; plus strand). Cytogenetic location: 5p15.2.
Variant type: single nucleotide variant.
Coding change: c.382A>G on transcript NM_012073.5 (MANE Select); coding-DNA position 382, A replaced by G.
Protein change: p.Ile128Val; replaces isoleucine 128 with valine.
Molecular consequence: missense variant.
Genome position (GRCh38, 1-based): chr5:10,256,005, A>G. VCF-style: chr5-10256005-A-G. GRCh37 (hg19) VCF-style: chr5-10256117-A-G.
Other names: c.319A>G, p.Ile107Val (NM_001306153.1); c.217A>G, p.Ile73Val (NM_001306154.2); c.103A>G, p.Ile35Val (NM_001306155.2); c.268A>G, p.Ile90Val (NM_001306156.2); short protein forms I73V, I107V, I35V, I128V, I90V.
Identifiers: ClinVar variation 1918121 (VCV001918121.6), dbSNP rs773337607, ClinGen allele CA3198061.

ClinVar aggregate classification (germline): Uncertain significance. Review status: criteria provided, multiple submitters, no conflicts (2 of 4 stars). 2 submissions from 2 submitters: Uncertain significance (2). Last evaluated 2025-08-12.

Conditions:
Hereditary sensory and autonomic neuropathy with spastic paraplegia (HSNSP). Identifiers: Orphanet 139578, MedGen C1850395, MONDO:0009748, OMIM 256840.

Allele frequency attached by ClinVar (database versions not stated): TOPMed below 0.00001; ExAC 0.00002; gnomAD exomes 0.00002.
gnomAD v4.1: 11 of 1,614,234 alleles (0.00068%); highest among the groups gnomAD compares: Admixed American, 0.015%; no homozygotes.

Submissions (2):

Ambry Genetics
Classification: Uncertain significance. Last evaluated: 2025-08-12. Review status: criteria provided, single submitter. Criteria: Ambry Variant Classification Scheme 2023. Collection method: clinical testing. Allele origin: germline.

Labcorp Genetics (formerly Invitae), Labcorp
Classification: Uncertain significance for Hereditary sensory and autonomic neuropathy with spastic paraplegia. Last evaluated: 2021-12-18. Review status: criteria provided, single submitter. Criteria: Invitae Variant Classification Sherloc (09022015). Collection method: clinical testing. Allele origin: germline.
Comment: This sequence change replaces isoleucine, which is neutral and non-polar, with valine, which is neutral and non-polar, at codon 128 of the CCT5 protein (p.Ile128Val). In summary, the available evidence is currently insufficient to determine the role of this variant in disease. Therefore, it has been classified as a Variant of Uncertain Significance. Algorithms developed to predict the effect of missense changes on protein structure and function are either unavailable or do not agree on the potential impact of this missense change (SIFT: "Deleterious"; PolyPhen-2: "Benign"; Align-GVGD: "Class C25"). This variant has not been reported in the literature in individuals affected with CCT5-related conditions. This variant is present in population databases (rs773337607, gnomAD 0.02%).